The following is an entry in ClinVar:

ClinVar aggregate classification (germline): Uncertain significance. Review status: criteria provided, multiple submitters, no conflicts (2 of 4 stars). 2 submissions from 2 submitters: Uncertain significance (2). Last evaluated 2025-02-24.

Conditions:
Fanconi anemia (FA). Also called: Fanconi's anemia. Identifiers: Orphanet 84, MedGen C0015625, MeSH D005199, MONDO:0019391.
Inborn genetic diseases. Identifiers: MedGen C0950123, MeSH D030342.

Allele frequency attached by ClinVar (database versions not stated): gnomAD 0.00001.
gnomAD v4.1: 6 of 1,551,148 alleles (0.00039%); highest among the groups gnomAD compares: African/African-American, 0.0014%; no homozygotes.

Submissions (2):

Ambry Genetics
Classification: Uncertain significance for Inborn genetic diseases. Last evaluated: 2025-02-24. Review status: criteria provided, single submitter. Criteria: Ambry Variant Classification Scheme 2023. Collection method: clinical testing. Allele origin: germline.
Comment: The p.L1318R variant (also known as c.3953T>G), located in coding exon 40 of the FANCA gene, results from a T to G substitution at nucleotide position 3953. The leucine at codon 1318 is replaced by arginine, an amino acid with dissimilar properties. This amino acid position is conserved. In addition, the in silico prediction for this alteration is inconclusive. Based on the available evidence, the clinical significance of this variant remains unclear.

Labcorp Genetics (formerly Invitae), Labcorp
Classification: Uncertain significance for Fanconi anemia. Last evaluated: 2022-01-13. Review status: criteria provided, single submitter. Criteria: Invitae Variant Classification Sherloc (09022015). Collection method: clinical testing. Allele origin: germline.
Comment: This sequence change replaces leucine, which is neutral and non-polar, with arginine, which is basic and polar, at codon 1318 of the FANCA protein (p.Leu1318Arg). This variant is not present in population databases (gnomAD no frequency). This variant has not been reported in the literature in individuals affected with FANCA-related conditions. Algorithms developed to predict the effect of missense changes on protein structure and function are either unavailable or do not agree on the potential impact of this missense change (SIFT: "Deleterious"; PolyPhen-2: "Possibly Damaging"; Align-GVGD: "Class C0"). In summary, the available evidence is currently insufficient to determine the role of this variant in disease. Therefore, it has been classified as a Variant of Uncertain Significance.

NM_000135.4(FANCA):c.3953T>G (p.Leu1318Arg)

Genes: FANCA (FA complementation group A; minus strand), ZNF276 (zinc finger protein 276; plus strand). Cytogenetic location: 16q24.3.
Variant type: single nucleotide variant.
Coding change: c.3953T>G on transcript NM_000135.4 (MANE Select); coding-DNA position 3953, T replaced by G.
Protein change: p.Leu1318Arg; replaces leucine 1318 with arginine.
Molecular consequence: missense variant. On other transcripts: 3 prime UTR variant (2), non-coding transcript variant (4).
Genome position (GRCh38, 1-based): chr16:89,739,535, A>C on the plus strand (T>G on the coding strand, the complement: FANCA is on the minus strand). VCF-style: chr16-89739535-A-C. GRCh37 (hg19) VCF-style: chr16-89805943-A-C.
Other names: c.3953T>G, p.Leu1318Arg (NM_001286167.3); c.*1289A>C (NM_001113525.2, NM_152287.4); short protein forms L1318R.
Identifiers: ClinVar variation 1515033 (VCV001515033.4), dbSNP rs1439125894, ClinGen allele CA397484843.